The following is an entry in ClinVar:

ClinVar aggregate classification (germline): Likely pathogenic (0 of 4 stars; one submission).

Conditions:
AIMP1-related disorder. Also called: AIMP1-related condition.

Submission:

PreventionGenetics, part of Exact Sciences
Classification: Likely pathogenic for AIMP1-related condition. Last evaluated: 2024-08-20. Review status: no assertion criteria provided. Collection method: clinical testing. Allele origin: germline.
Comment: The AIMP1 c.706delA variant is predicted to result in a frameshift and premature protein termination (p.Ile236Leufs*29). All other previously-reported protein-truncating variants in this gene that have been associated with disease are upstream of this variant (Human Gene Mutation Database). To our knowledge, this variant has not been reported in the literature or in a large population database, indicating this variant is rare. Frameshift variants in AIMP1 are expected to be pathogenic. This variant is interpreted as likely pathogenic.

NM_001142416.2(AIMP1):c.706del (p.Ile236fs)

Gene: AIMP1 (aminoacyl tRNA synthetase complex interacting multifunctional protein 1; plus strand). Cytogenetic location: 4q24.
Variant type: Deletion.
Coding change: c.706del on transcript NM_001142416.2 (MANE Select); coding-DNA position 706, one base deleted (A; older notation c.706delA).
Protein change: p.Ile236fs; shifts the reading frame from isoleucine 236.
Molecular consequence: frameshift variant.
Genome position (GRCh38, 1-based): chr4:106,336,971, A deleted; the last of 4 consecutive A bases (chr4:106,336,968-106,336,971); deleting any one gives the same sequence. VCF-style (leftmost placement, unchanged base first): chr4-106336967-GA-G. GRCh37 (hg19) VCF-style: chr4-107258124-GA-G.
Other names: c.706del, p.Ile236fs (NM_001142415.2, NM_004757.4); short protein forms I236fs.
Identifiers: ClinVar variation 2630166 (VCV002630166.2), dbSNP rs1287521576, ClinGen allele CA784892625.